The following is an entry in ClinVar:

ClinVar aggregate classification (germline): Likely benign (0 of 4 stars; one submission).

Conditions:
INTS7-related disorder. Also called: INTS7-related condition.

Allele frequency attached by ClinVar (database versions not stated): ESP Exome Variant Server 0.00015; TOPMed 0.00029; 1000 Genomes Project 30x 0.00031; gnomAD 0.00033; 1000 Genomes Project 0.00040; ExAC 0.00042; gnomAD exomes 0.00048.

Submission:

PreventionGenetics, part of Exact Sciences
Classification: Likely benign for INTS7-related condition. Last evaluated: 2022-12-01. Review status: no assertion criteria provided. Collection method: clinical testing. Allele origin: germline.
Comment: This variant is classified as likely benign based on ACMG/AMP sequence variant interpretation guidelines (Richards et al. 2015 PMID: 25741868, with internal and published modifications).

NM_015434.4(INTS7):c.2336A>G (p.Asn779Ser)

Gene: INTS7 (integrator complex subunit 7; minus strand). Cytogenetic location: 1q32.3.
Variant type: single nucleotide variant.
Coding change: c.2336A>G on transcript NM_015434.4 (MANE Select); coding-DNA position 2336, A replaced by G.
Protein change: p.Asn779Ser; replaces asparagine 779 with serine.
Molecular consequence: missense variant. On other transcripts: non-coding transcript variant (1), intron variant (1).
Genome position (GRCh38, 1-based): chr1:211,946,686, T>C on the plus strand (A>G on the coding strand, the complement: INTS7 is on the minus strand). VCF-style: chr1-211946686-T-C. GRCh37 (hg19) VCF-style: chr1-212120028-T-C.
Other names: c.2189A>G, p.Asn730Ser (NM_001199809.2); c.2294A>G, p.Asn765Ser (NM_001199811.2); c.2317-41A>G (NM_001199812.2); short protein forms N730S, N765S, N779S.
Identifiers: ClinVar variation 3054417 (VCV003054417.2), dbSNP rs199623444, ClinGen allele CA1382155.